The following is an entry in ClinVar:

ClinVar aggregate classification (germline): Uncertain significance (1 of 4 stars; one submission).

Allele frequency attached by ClinVar (database versions not stated): gnomAD exomes below 0.00001; ExAC 0.00001.
gnomAD v4.1: 6 of 1,613,934 alleles (0.00037%); highest among the groups gnomAD compares: Non-Finnish European, 0.00051%; no homozygotes.

Submission:

Labcorp Genetics (formerly Invitae), Labcorp
Classification: Uncertain significance. Last evaluated: 2025-01-15. Review status: criteria provided, single submitter. Criteria: Invitae Variant Classification Sherloc (09022015). Collection method: clinical testing. Allele origin: germline.
Comment: This sequence change replaces serine, which is neutral and polar, with isoleucine, which is neutral and non-polar, at codon 395 of the KIAA1549 protein (p.Ser395Ile). This variant is present in population databases (rs776032942, gnomAD 0.0009%). This variant has not been reported in the literature in individuals affected with KIAA1549-related conditions. ClinVar contains an entry for this variant (Variation ID: 1368369). An algorithm developed to predict the effect of missense changes on protein structure and function (PolyPhen-2) suggests that this variant is likely to be tolerated. In summary, the available evidence is currently insufficient to determine the role of this variant in disease. Therefore, it has been classified as a Variant of Uncertain Significance.

NM_001164665.2(KIAA1549):c.1184G>T (p.Ser395Ile)

Gene: KIAA1549 (KIAA1549; minus strand). Cytogenetic location: 7q34.
Variant type: single nucleotide variant.
Coding change: c.1184G>T on transcript NM_001164665.2 (MANE Select); coding-DNA position 1184, G replaced by T.
Protein change: p.Ser395Ile; replaces serine 395 with isoleucine.
Molecular consequence: missense variant.
Genome position (GRCh38, 1-based): chr7:138,918,442, C>A on the plus strand (G>T on the coding strand, the complement: KIAA1549 is on the minus strand). VCF-style: chr7-138918442-C-A. GRCh37 (hg19) VCF-style: chr7-138603188-C-A.
Other names: c.1184G>T, p.Ser395Ile (NM_020910.3); short protein forms S395I.
Identifiers: ClinVar variation 1368369 (VCV001368369.8), dbSNP rs776032942, ClinGen allele CA4506785.
Genomic context (GRCh38, chr7:138,918,442, plus strand): 5'-AATGAGGACACCGGGCTCAGGATATGAGTGTTGTCCACAGGACCGGGGAGGGCTGAATTG[C>A]TATGCAATTCGGATGTTTTGCTGGAGTCGCTAGGGAGAAAGGGGTTAGATGAAACATCAG-3'
Protein context (NP_001158137.1, residues 385-405): SDSSKTSELH[Ser395Ile]NSALPGPVDN